The following is an entry in ClinVar:

NM_000238.4(KCNH2):c.2635G>A (p.Gly879Ser)

Gene: KCNH2 (potassium voltage-gated channel subfamily H member 2; minus strand). Cytogenetic location: 7q36.1.
Variant type: single nucleotide variant.
Coding change: c.2635G>A on transcript NM_000238.4 (MANE Select); coding-DNA position 2635, G replaced by A.
Protein change: p.Gly879Ser; replaces glycine 879 with serine.
Molecular consequence: missense variant.
Genome position (GRCh38, 1-based): chr7:150,948,501, C>T on the plus strand (G>A on the coding strand, the complement: KCNH2 is on the minus strand). VCF-style: chr7-150948501-C-T. GRCh37 (hg19) VCF-style: chr7-150645589-C-T.
Other names: c.1615G>A, p.Gly539Ser (NM_172057.3); short protein forms G539S, G879S.
Identifiers: ClinVar variation 924749 (VCV000924749.7), dbSNP rs199473040, ClinGen allele CA369853790.
Genomic context (GRCh38, chr7:150,948,501, plus strand): 5'-CACCCTTGTCCGTGCGCCTGCGGAAGGACAACTTGCGCTTGCGTTGCCGACTGAAGCCAC[C>T]CTCTAACTCCGTACTGCCGGGGGAGCCCGGGATCATGTTGGTCTGGAACCAAAATCAGTA-3'
Protein context (NP_000229.1, residues 869-889): PGSPGSTELE[Gly879Ser]GFSRQRKRKL

ClinVar aggregate classification (germline): Uncertain significance (1 of 4 stars; one submission).

Conditions:
Cardiac arrhythmia. Also called: Cardiac rhythm disease; Arrhythmia. Identifiers: MedGen C0003811, MONDO:0007263, HP:0011675.

Allele frequency attached by ClinVar (database versions not stated): gnomAD exomes below 0.00001.
gnomAD v4.1: 1 of 1,613,650 alleles (0.000062%); highest among the groups gnomAD compares: South Asian, 0.0011%; no homozygotes.

Submission:

Color Diagnostics, LLC DBA Color Health
Classification: Uncertain significance for Cardiac arrhythmia. Last evaluated: 2021-09-22. Review status: criteria provided, single submitter. Criteria: ACMG Guidelines, 2015. Collection method: clinical testing. Allele origin: germline.
Comment: This missense variant replaces glycine with serine at codon 879 of the KCNH2 protein. Computational prediction suggests that this variant may not impact protein structure and function (internally defined REVEL score threshold <= 0.5, PMID: 27666373). To our knowledge, functional studies have not been reported for this variant. This variant has not been reported in individuals affected with cardiovascular disorders in the literature. This variant has not been identified in the general population by the Genome Aggregation Database (gnomAD). The available evidence is insufficient to determine the role of this variant in disease conclusively. Therefore, this variant is classified as a Variant of Uncertain Significance.